The following is an entry in ClinVar:

ClinVar aggregate classification (germline): Uncertain significance. Review status: criteria provided, multiple submitters, no conflicts (2 of 4 stars). 2 submissions from 2 submitters: Uncertain significance (2). Last evaluated 2023-08-04.

Allele frequency attached by ClinVar (database versions not stated): gnomAD exomes below 0.00001 and 0.00001; TOPMed below 0.00001; gnomAD 0.00001.
gnomAD v4.1: 5 of 1,613,330 alleles (0.00031%); highest among the groups gnomAD compares: Admixed American, 0.0033%; no homozygotes.

Submissions (2):

Labcorp Genetics (formerly Invitae), Labcorp
Classification: Uncertain significance. Last evaluated: 2023-08-04. Review status: criteria provided, single submitter. Criteria: Invitae Variant Classification Sherloc (09022015). Collection method: clinical testing. Allele origin: germline.
Comment: This sequence change replaces methionine, which is neutral and non-polar, with isoleucine, which is neutral and non-polar, at codon 342 of the SRP54 protein (p.Met342Ile). This variant is present in population databases (no rsID available, gnomAD 0.0009%). This variant has not been reported in the literature in individuals affected with SRP54-related conditions. ClinVar contains an entry for this variant (Variation ID: 1421763). Advanced modeling of protein sequence and biophysical properties (such as structural, functional, and spatial information, amino acid conservation, physicochemical variation, residue mobility, and thermodynamic stability) performed at Invitae indicates that this missense variant is not expected to disrupt SRP54 protein function. Algorithms developed to predict the effect of sequence changes on RNA splicing suggest that this variant may disrupt the consensus splice site. In summary, the available evidence is currently insufficient to determine the role of this variant in disease. Therefore, it has been classified as a Variant of Uncertain Significance.

Blueprint Genetics
Classification: Uncertain significance. Last evaluated: 2020-05-26. Review status: criteria provided, single submitter. Criteria: ACMG Guidelines, 2015. Collection method: clinical testing. Allele origin: germline.

NM_003136.4(SRP54):c.1026G>A (p.Met342Ile)

Gene: SRP54 (signal recognition particle 54; plus strand). Cytogenetic location: 14q13.2.
Variant type: single nucleotide variant.
Coding change: c.1026G>A on transcript NM_003136.4 (MANE Select); coding-DNA position 1026, G replaced by A.
Protein change: p.Met342Ile; replaces methionine 342 with isoleucine.
Molecular consequence: missense variant.
Genome position (GRCh38, 1-based): chr14:35,018,744, G>A. VCF-style: chr14-35018744-G-A. GRCh37 (hg19) VCF-style: chr14-35487950-G-A.
Other names: c.879G>A, p.Met293Ile (NM_001146282.2); short protein forms M342I, M293I.
Identifiers: ClinVar variation 1421763 (VCV001421763.9), dbSNP rs957100298, ClinGen allele CA258822904.
Genomic context (GRCh38, chr14:35,018,744, plus strand): 5'-TATTTCAGGTCAGTTTACGTTGCGAGACATGTATGAGCAATTTCAAAATATCATGAAAAT[G>A]GGCCCCTTCAGTCAGATCTTGGTTAGTTATCCTTAAAACTTTATACCTTCTTTTGTTTTC-3'
Protein context (NP_003127.1, residues 332-352): MYEQFQNIMK[Met342Ile]GPFSQILGMI